The following is an entry in ClinVar:

NM_001267550.2(TTN):c.92583T>A (p.Cys30861Ter)

Genes: TTN-AS1 (TTN antisense RNA 1; plus strand), TTN (titin; minus strand). Cytogenetic location: 2q31.2.
Variant type: single nucleotide variant.
Coding change: c.92583T>A on transcript NM_001267550.2 (MANE Select); coding-DNA position 92583, T replaced by A.
Protein change: p.Cys30861Ter; replaces cysteine 30861 with a stop codon.
Molecular consequence: nonsense.
Genome position (GRCh38, 1-based): chr2:178,549,043, A>T on the plus strand (T>A on the coding strand, the complement: TTN is on the minus strand). VCF-style: chr2-178549043-A-T. GRCh37 (hg19) VCF-style: chr2-179413770-A-T.
Other names: c.87660T>A, p.Cys29220Ter (NM_001256850.1); c.65388T>A, p.Cys21796Ter (NM_003319.4); c.84879T>A, p.Cys28293Ter (NM_133378.4); c.65763T>A, p.Cys21921Ter (NM_133432.3); c.65964T>A, p.Cys21988Ter (NM_133437.4); short protein forms C21988*, C29220*, C28293*, C30861*, C21796*, C21921*.
Identifiers: ClinVar variation 4787941 (VCV004787941.1).

ClinVar aggregate classification (germline): Likely pathogenic (1 of 4 stars; one submission).

Conditions:
Autosomal recessive limb-girdle muscular dystrophy type 2J (LGMDR10). Also called: Limb-girdle muscular dystrophy, type 2J; MUSCULAR DYSTROPHY, LIMB-GIRDLE, AUTOSOMAL RECESSIVE 10. Identifiers: Orphanet 140922, MedGen C1837342, MONDO:0012127, OMIM 608807.
Dilated cardiomyopathy 1G (CMD1G). Identifiers: Orphanet 154, MedGen C1858763, MONDO:0011400, OMIM 604145.

Submission:

Labcorp Genetics (formerly Invitae), Labcorp
Classification: Likely pathogenic for Dilated cardiomyopathy 1G; Autosomal recessive limb-girdle muscular dystrophy type 2J. Last evaluated: 2025-05-30. Review status: criteria provided, single submitter. Criteria: Invitae Variant Classification Sherloc (09022015). Collection method: clinical testing. Allele origin: germline.
Comment: This sequence change creates a premature translational stop signal (p.Cys30861*) in the TTN gene. While this is not anticipated to result in nonsense mediated decay, it is expected to create a truncated TTN protein. This variant is not present in population databases (gnomAD no frequency). This variant has not been reported in the literature in individuals affected with TTN-related conditions. This variant is located in the A band of TTN (PMID: 25589632). Truncating variants in this region are significantly overrepresented in patients affected with dilated cardiomyopathy (PMID: 25589632). Truncating variants in this region have also been reported in individuals affected with autosomal recessive centronuclear myopathy (PMID: 23975875). In summary, the currently available evidence indicates that the variant is pathogenic, but additional data are needed to prove that conclusively. Therefore, this variant has been classified as Likely Pathogenic.

Literature cited by the submitters: PubMed 25589632; PubMed 23975875.